The following is an entry in ClinVar:

NM_001164508.2(NEB):c.617T>G (p.Leu206Arg)

Gene: NEB (nebulin; minus strand). Cytogenetic location: 2q23.3.
Variant type: single nucleotide variant.
Coding change: c.617T>G on transcript NM_001164508.2 (MANE Select); coding-DNA position 617, T replaced by G.
Protein change: p.Leu206Arg; replaces leucine 206 with arginine.
Molecular consequence: missense variant.
Genome position (GRCh38, 1-based): chr2:151,723,482, A>C on the plus strand (T>G on the coding strand, the complement: NEB is on the minus strand). VCF-style: chr2-151723482-A-C. GRCh37 (hg19) VCF-style: chr2-152579996-A-C.
Other names: c.617T>G, p.Leu206Arg (NM_001164507.2, NM_001271208.2, NM_004543.5); short protein forms L206R.
Identifiers: ClinVar variation 2016990 (VCV002016990.4), dbSNP rs2552279152, ClinGen allele CA348791659.

ClinVar aggregate classification (germline): Uncertain significance (1 of 4 stars; one submission).

Conditions:
Nemaline myopathy 2 (NEM2). Also called: Nemaline myopathy 2, autosomal recessive. Identifiers: MedGen C1850569, MONDO:0009725, OMIM 256030.

Submission:

Labcorp Genetics (formerly Invitae), Labcorp
Classification: Uncertain significance for Nemaline myopathy 2. Last evaluated: 2022-07-14. Review status: criteria provided, single submitter. Criteria: Invitae Variant Classification Sherloc (09022015). Collection method: clinical testing. Allele origin: germline.
Comment: In summary, the available evidence is currently insufficient to determine the role of this variant in disease. Therefore, it has been classified as a Variant of Uncertain Significance. Algorithms developed to predict the effect of missense changes on protein structure and function are either unavailable or do not agree on the potential impact of this missense change (SIFT: "Deleterious"; PolyPhen-2: "Not Available"; Align-GVGD: "Class C0"). This variant has not been reported in the literature in individuals affected with NEB-related conditions. This variant is not present in population databases (gnomAD no frequency). This sequence change replaces leucine, which is neutral and non-polar, with arginine, which is basic and polar, at codon 206 of the NEB protein (p.Leu206Arg).